The following is an entry in ClinVar:

ClinVar aggregate classification (germline): Uncertain significance. Review status: criteria provided, multiple submitters, no conflicts (2 of 4 stars). 2 submissions from 2 submitters: Uncertain significance (2). Last evaluated 2025-07-29.

Conditions:
TTC21B-related disorder. Also called: TTC21B-related condition; TTC21B-related disorders.

Allele frequency attached by ClinVar (database versions not stated): gnomAD 0.00001; TOPMed 0.00001.
gnomAD v4.1: 2 of 1,606,678 alleles (0.00012%); highest among the groups gnomAD compares: African/African-American, 0.0027%; no homozygotes.

Submissions (2):

PreventionGenetics, part of Exact Sciences
Classification: Uncertain significance for TTC21B-related condition. Last evaluated: 2025-07-29. Review status: criteria provided, single submitter. Criteria: ACMG Guidelines, 2015. Collection method: clinical testing. Allele origin: germline.
Comment: The TTC21B c.1202A>T variant is predicted to result in the amino acid substitution p.His401Leu. To our knowledge, this variant has not been reported in the literature. This variant is reported in 0.0063% of alleles in individuals of African descent in gnomAD. At this time, the clinical significance of this variant is uncertain due to the absence of conclusive functional and genetic evidence.

GeneDx
Classification: Uncertain significance. Last evaluated: 2021-03-30. Review status: criteria provided, single submitter. Criteria: GeneDx Variant Classification Process June 2021. Collection method: clinical testing. Allele origin: germline. Affected: yes.

NM_024753.5(TTC21B):c.1202A>T (p.His401Leu)

Gene: TTC21B (tetratricopeptide repeat domain 21B; minus strand). Cytogenetic location: 2q24.3.
Variant type: single nucleotide variant.
Coding change: c.1202A>T on transcript NM_024753.5 (MANE Select); coding-DNA position 1202, A replaced by T.
Protein change: p.His401Leu; replaces histidine 401 with leucine.
Molecular consequence: missense variant.
Genome position (GRCh38, 1-based): chr2:165,929,319, T>A on the plus strand (A>T on the coding strand, the complement: TTC21B is on the minus strand). VCF-style: chr2-165929319-T-A. GRCh37 (hg19) VCF-style: chr2-166785829-T-A.
Other names: short protein forms H401L.
Identifiers: ClinVar variation 1300312 (VCV001300312.3), dbSNP rs780159682, ClinGen allele CA1942196.